The following is an entry in ClinVar:

ClinVar aggregate classification (germline): Likely pathogenic (1 of 4 stars; one submission).

Submission:

Dasa
Classification: Likely pathogenic. Last evaluated: 2025-05-16. Review status: criteria provided, single submitter. Criteria: DASA Assertion Criteria. Collection method: clinical testing. Allele origin: germline.
Comment: NM_001123385.2(BCOR):c.4149C>A (p.Tyr1383*) is a nonsense variant in BCOR predicted to introduce a premature termination codon and is predicted to result in an absent or altered protein product. Loss of function is an established disease mechanism for BCOR (PMID: 19367324; PMID: 15770227). Also, this variant is absent from population databases. Based on the currently available evidence, this variant is classified as likely pathogenic.

Literature cited by the submitters: PubMed 19367324; PubMed 15770227.

NM_001123385.2(BCOR):c.4149C>A (p.Tyr1383Ter)

Gene: BCOR (BCL6 corepressor; minus strand). Cytogenetic location: Xp11.4.
Variant type: single nucleotide variant.
Coding change: c.4149C>A on transcript NM_001123385.2 (MANE Select); coding-DNA position 4149, C replaced by A.
Protein change: p.Tyr1383Ter; replaces tyrosine 1383 with a stop codon.
Molecular consequence: nonsense.
Genome position (GRCh38, 1-based): chrX:40,062,770, G>T on the plus strand (C>A on the coding strand, the complement: BCOR is on the minus strand). VCF-style: chrX-40062770-G-T. GRCh37 (hg19) VCF-style: chrX-39922023-G-T.
Other names: c.4047C>A, p.Tyr1349Ter (NM_001123383.2, NM_001438208.1, NM_017745.6); c.3993C>A, p.Tyr1331Ter (NM_001123384.2); c.4149C>A, p.Tyr1383Ter (NM_001437510.1, NM_001437511.1); c.4095C>A, p.Tyr1365Ter (NM_001438207.1); short protein forms Y1331*, Y1349*, Y1365*, Y1383*.
Identifiers: ClinVar variation 4882762 (VCV004882762.2).